The following is an entry in ClinVar:

NM_025114.4(CEP290):c.5745dup (p.Lys1916Ter)

Gene: CEP290 (centrosomal protein 290; minus strand). Cytogenetic location: 12q21.32.
Variant type: Duplication.
Coding change: c.5745dup on transcript NM_025114.4 (MANE Select); coding-DNA position 5745, one base duplicated (T; older notation c.5745dupT).
Protein change: p.Lys1916Ter; replaces lysine 1916 with a stop codon.
Molecular consequence: nonsense.
Genome position (GRCh38, 1-based): chr12:88,071,891, A duplicated on the plus strand (T on the coding strand, the reverse complement: CEP290 is on the minus strand). VCF-style (leftmost placement, unchanged base first): chr12-88071890-T-TA. GRCh37 (hg19) VCF-style: chr12-88465667-T-TA.
Other names: c.5745dupT (NM_025114.3); short protein forms K1916*.
Identifiers: ClinVar variation 545704 (VCV000545704.16), dbSNP rs751361090, ClinGen allele CA6711650.

ClinVar aggregate classification (germline): Pathogenic/Likely pathogenic. Review status: criteria provided, multiple submitters, no conflicts (2 of 4 stars). 6 submissions from 6 submitters: Pathogenic (4); Likely pathogenic (1). 1 of the submissions does not count toward it. Last evaluated 2026-08-14.

Conditions:
CEP290-related ciliopathy. Also called: CEP290 ciliopathy. Identifiers: MedGen CN305601, MONDO:0100451.
Nephronophthisis. Also called: Juvenile Nephronophthisis. Identifiers: Orphanet 655, MedGen C0687120, MONDO:0019005, HP:0000090.
Meckel-Gruber syndrome. Also called: DYSENCEPHALIA SPLANCHNOCYSTICA; GRUBER SYNDROME; Dysencephalia splachnocystica. Identifiers: Orphanet 564, MedGen C0265215, MONDO:0018921.
Joubert syndrome. Also called: Familial aplasia of the vermis; JOUBERT-BOLTSHAUSER SYNDROME. Identifiers: Orphanet 475, MedGen C5979921, MONDO:0018772.
Meckel syndrome, type 4 (MKS4). Also called: MECKEL-GRUBER SYNDROME, TYPE 4. Identifiers: Orphanet 564, MedGen C1970161, MONDO:0012626, OMIM 611134.
Leber congenital amaurosis 10 (LCA10). Identifiers: Orphanet 65, MedGen C1857821, MONDO:0012723, OMIM 611755.
Joubert syndrome 5 (JBTS5). Identifiers: Orphanet 2318, MedGen C1857780, MONDO:0012432, OMIM 610188.
Bardet-Biedl syndrome 14 (BBS14). Identifiers: Orphanet 110, MedGen C2673874, MONDO:0014442, OMIM 615991.
Senior-Loken syndrome 6 (SLSN6). Identifiers: Orphanet 3156, MedGen C1857779, MONDO:0012433, OMIM 610189.
Leber congenital amaurosis (LCA). Also called: Leber's amaurosis. Identifiers: Orphanet 65, MedGen C0339527, MeSH D057130, MONDO:0018998.

Allele frequency attached by ClinVar (database versions not stated): gnomAD 0.00001; gnomAD exomes 0.00001 and 0.00003; ExAC 0.00004.

Submissions (6):

Myriad Genetics, Inc.
Classification: Pathogenic for CEP290-related ciliopathy. Last evaluated: 2026-08-14. Review status: criteria provided, single submitter. Criteria: Myriad Autosomal Dominant, Autosomal Recessive and X-Linked Classification Criteria (2023). Collection method: clinical testing. Allele origin: unknown.
Comment: NM_025114.3(CEP290):c.5745dupT(K1916*) is a frameshift variant classified as pathogenic in the context of CEP290-related disorders. K1916* has been observed in cases with relevant disease (PMID: 23351400, 33128783, 32037575 ). Relevant functional assessments of this variant are not available in the literature. K1916* has been observed in referenced population frequency databases. In summary, NM_025114.3(CEP290):c.5745dupT(K1916*) is a frameshift variant in a gene where loss of function is a known mechanism of disease, is predicted to disrupt protein function, and has been observed more frequently in cases with the relevant disease than in healthy populations. Please note: this variant was assessed in the context of healthy population screening.

Natera, Inc.
Classification: Pathogenic for Leber congenital amaurosis. Last evaluated: 2026-01-21. Review status: criteria provided, single submitter. Criteria: Natera Variant Classification Schema (03/2026). Collection method: clinical testing. Allele origin: germline.
Comment: The c.5745dupT variant in CEP290 is a frameshift variant predicted to shift the reading frame and introduce a stop codon. This variant is expected to result in nonsense mediated decay, truncation, or a dysfunctional protein product. This variant is rare in the general population with a frequency below the threshold expected for the associated phenotype(s). This variant has been observed in one or more individuals affected with the associated recessive disease, as either homozygous or compound heterozygous with a second variant (PMID: 23351400). Given the available evidence, this variant is classified as Pathogenic.

Fulgent Genetics
Classification: Likely pathogenic for Joubert syndrome 5; Senior-Loken syndrome 6; Meckel syndrome, type 4; Leber congenital amaurosis 10; Bardet-Biedl syndrome 14. Last evaluated: 2024-06-07. Review status: criteria provided, single submitter. Criteria: ACMG Guidelines, 2015. Collection method: clinical testing. Allele origin: germline.

Baylor Genetics
Classification: Pathogenic for Bardet-Biedl syndrome 14. Last evaluated: 2024-03-08. Review status: criteria provided, single submitter. Criteria: ACMG Guidelines, 2015. Collection method: clinical testing. Allele origin: unknown.

Labcorp Genetics (formerly Invitae), Labcorp
Classification: Pathogenic for Joubert syndrome; Meckel-Gruber syndrome; Nephronophthisis. Last evaluated: 2023-12-30. Review status: criteria provided, single submitter. Criteria: Invitae Variant Classification Sherloc (09022015). Collection method: clinical testing. Allele origin: germline.
Comment: This sequence change creates a premature translational stop signal (p.Lys1916*) in the CEP290 gene. It is expected to result in an absent or disrupted protein product. Loss-of-function variants in CEP290 are known to be pathogenic (PMID: 16909394, 17345604, 20690115). This variant is present in population databases (rs751361090, gnomAD 0.02%). This premature translational stop signal has been observed in individual(s) with clinical features of Meckel-Gruber syndrome (PMID: 23351400). This variant is also known as 5744_5745insT. ClinVar contains an entry for this variant (Variation ID: 545704). For these reasons, this variant has been classified as Pathogenic.

Foundation for Research in Genetics and Endocrinology, FRIGE's Institute of Human Genetics
Classification: Pathogenic for Meckel syndrome, type 4. Last evaluated: 2018-06-05. Review status: no assertion criteria provided. Collection method: clinical testing. Allele origin: germline. Inheritance: Autosomal recessive inheritance. Affected: yes. Observed: 1 variant allele, 1 homozygote. Not counted in ClinVar's aggregate classification.
Comment: The observed variant c.5745dupT (p.Lys1916Ter) is not reported in 1000 Genomes and its minor allele frequency in ExAC databases is 0.00004026. The in silico prediction of the observed variant is disease causing by MutationTaster2. The reference codon is conserved across species.

Literature cited by the submitters: PubMed 23351400 (cited by 3 submitters); PubMed 32037575 (cited by Myriad Genetics, Inc.); PubMed 33128783 (cited by Myriad Genetics, Inc.); PubMed 16909394 (cited by Labcorp Genetics (formerly Invitae), Labcorp); PubMed 17345604 (cited by Labcorp Genetics (formerly Invitae), Labcorp); PubMed 20690115 (cited by Labcorp Genetics (formerly Invitae), Labcorp).